The following is an entry in ClinVar:

ClinVar aggregate classification (germline): Likely benign. Review status: criteria provided, multiple submitters, no conflicts (2 of 4 stars). 2 submissions from 2 submitters: Likely benign (2). Last evaluated 2025-12-29.

Conditions:
RAX2-related disorder. Also called: RAX2-related disorders; RAX2-related condition.

Allele frequency attached by ClinVar (database versions not stated): gnomAD exomes 0.00001; TOPMed 0.00002; ExAC 0.00005.
gnomAD v4.1: 3 of 1,562,844 alleles (0.00019%); highest among the groups gnomAD compares: Admixed American, 0.0037%; no homozygotes.

Submissions (2):

PreventionGenetics, part of Exact Sciences
Classification: Likely benign for RAX2-related condition. Last evaluated: 2025-12-29. Review status: criteria provided, single submitter. Criteria: ACMG Guidelines, 2015. Collection method: clinical testing. Allele origin: germline.
Comment: This variant is classified as likely benign based on ACMG/AMP sequence variant interpretation guidelines (Richards et al. 2015 PMID: 25741868, with internal and published modifications).

Labcorp Genetics (formerly Invitae), Labcorp
Classification: Likely benign. Last evaluated: 2022-08-16. Review status: criteria provided, single submitter. Criteria: Invitae Variant Classification Sherloc (09022015). Collection method: clinical testing. Allele origin: germline.

NM_001319074.4(RAX2):c.243G>A (p.Lys81=)

Gene: RAX2 (retina and anterior neural fold homeobox 2; minus strand). Cytogenetic location: 19p13.3.
Variant type: single nucleotide variant.
Coding change: c.243G>A on transcript NM_001319074.4 (MANE Select); coding-DNA position 243, G replaced by A.
Protein change: p.Lys81=; no amino-acid change (lysine 81 retained).
Molecular consequence: synonymous variant.
Genome position (GRCh38, 1-based): chr19:3,770,933, C>T on the plus strand (G>A on the coding strand, the complement: RAX2 is on the minus strand). VCF-style: chr19-3770933-C-T. GRCh37 (hg19) VCF-style: chr19-3770931-C-T.
Other names: c.243G>A, p.Lys81= (NM_032753.4); c.243G>A (NM_032753.3).
Identifiers: ClinVar variation 1595261 (VCV001595261.9), dbSNP rs757897383, ClinGen allele CA9085063.
Genomic context (GRCh38, chr19:3,770,933, plus strand): 5'-GGGGAGTCTCGGAGCTGCCACGGCACCCGAGCCTGACTCCAGCCGCTCCTGGCGGCGCCA[C>T]TTGGCCCGGCGGTTCTGGAACCACACCTGGAGGGTGCGAGAGGGAAGGGGGGTTGCTGTG-3'
Protein context (NP_001306003.2, residues 71-91): VQVWFQNRRA[Lys81=]WRRQERLESG